The following is an entry in ClinVar:

ClinVar aggregate classification (germline): Uncertain significance. Review status: criteria provided, multiple submitters, no conflicts (2 of 4 stars). 2 submissions from 2 submitters: Uncertain significance (2). Last evaluated 2025-05-20.

Conditions:
Inborn genetic diseases. Identifiers: MedGen C0950123, MeSH D030342.

Allele frequency attached by ClinVar (database versions not stated): gnomAD exomes 0.00001; ExAC 0.00002; gnomAD 0.00011 and 0.00013; 1000 Genomes Project 30x 0.00047; TOPMed 0.00011; 1000 Genomes Project 0.00020.
gnomAD v4.1: 41 of 1,613,674 alleles (0.0025%); highest among the groups gnomAD compares: African/African-American, 0.045%; 1 homozygote.

Submissions (2):

Ambry Genetics
Classification: Uncertain significance for Inborn genetic diseases. Last evaluated: 2025-05-20. Review status: criteria provided, single submitter. Criteria: Ambry Variant Classification Scheme 2023. Collection method: clinical testing. Allele origin: germline.

Labcorp Genetics (formerly Invitae), Labcorp
Classification: Uncertain significance. Last evaluated: 2021-12-02. Review status: criteria provided, single submitter. Criteria: Invitae Variant Classification Sherloc (09022015). Collection method: clinical testing. Allele origin: germline.
Comment: In summary, the available evidence is currently insufficient to determine the role of this variant in disease. Therefore, it has been classified as a Variant of Uncertain Significance. Algorithms developed to predict the effect of missense changes on protein structure and function are either unavailable or do not agree on the potential impact of this missense change (SIFT: "Deleterious"; PolyPhen-2: "Probably Damaging"; Align-GVGD: "Class C0"). This variant has not been reported in the literature in individuals affected with EPRS-related conditions. This variant is present in population databases (rs528807106, gnomAD 0.02%). This sequence change replaces tyrosine, which is neutral and polar, with cysteine, which is neutral and slightly polar, at codon 546 of the EPRS protein (p.Tyr546Cys).

NM_004446.3(EPRS1):c.1637A>G (p.Tyr546Cys)

Gene: EPRS1 (glutamyl-prolyl-tRNA synthetase 1; minus strand). Cytogenetic location: 1q41.
Variant type: single nucleotide variant.
Coding change: c.1637A>G on transcript NM_004446.3 (MANE Select); coding-DNA position 1637, A replaced by G.
Protein change: p.Tyr546Cys; replaces tyrosine 546 with cysteine.
Molecular consequence: missense variant.
Genome position (GRCh38, 1-based): chr1:220,007,307, T>C on the plus strand (A>G on the coding strand, the complement: EPRS1 is on the minus strand). VCF-style: chr1-220007307-T-C. GRCh37 (hg19) VCF-style: chr1-220180649-T-C.
Other names: c.1637A>G (NM_004446.2); short protein forms Y546C.
Identifiers: ClinVar variation 1680982 (VCV001680982.6), dbSNP rs528807106, ClinGen allele CA1400214.